The following is an entry in ClinVar:

ClinVar aggregate classification (germline): Likely benign. Review status: criteria provided, multiple submitters, no conflicts (2 of 4 stars). 2 submissions from 2 submitters: Likely benign (2). Last evaluated 2025-11-05.

Conditions:
X-linked distal spinal muscular atrophy type 3. Also called: ATP7A-Related Distal Motor Neuropathy; SPINAL MUSCULAR ATROPHY, DISTAL, X-LINKED RECESSIVE; NEURONOPATHY, DISTAL HEREDITARY MOTOR, X-LINKED; NEUROPATHY, DISTAL HEREDITARY MOTOR, X-LINKED. Identifiers: Orphanet 139557, MedGen C1845359, MONDO:0010338, OMIM 300489.
Menkes kinky-hair syndrome (MNK). Also called: Copper transport disease; Menkes Disease; Classic Menkes Disease. Identifiers: Orphanet 565, MedGen C0022716, MONDO:0010651, OMIM 309400.
Cutis laxa, X-linked (OHS). Also called: EDS IX; Occipital horn syndrome. Identifiers: Orphanet 198, MedGen C0268353, MONDO:0010572, OMIM 304150.

Allele frequency attached by ClinVar (database versions not stated): gnomAD 0.00001; gnomAD exomes 0.00001 and 0.00002; TOPMed 0.00002.
gnomAD v4.1: 18 of 1,210,116 alleles (0.0015%); highest among the groups gnomAD compares: Non-Finnish European, 0.002%; no homozygotes.

Submissions (2):

Labcorp Genetics (formerly Invitae), Labcorp
Classification: Likely benign for X-linked distal spinal muscular atrophy type 3; Cutis laxa, X-linked; Menkes kinky-hair syndrome. Last evaluated: 2025-11-05. Review status: criteria provided, single submitter. Criteria: Invitae Variant Classification Sherloc (09022015). Collection method: clinical testing. Allele origin: germline.

Mayo Clinic Laboratories, Mayo Clinic
Classification: Likely benign. Last evaluated: 2025-01-29. Review status: criteria provided, single submitter. Criteria: ACMG Guidelines, 2015. Collection method: clinical testing. Allele origin: germline. Observed: 1 variant allele.
Comment: BP4, BP7

NM_000052.7(ATP7A):c.2505A>G (p.Glu835=)

Gene: ATP7A (ATPase copper transporting alpha; plus strand). Cytogenetic location: Xq21.1.
Variant type: single nucleotide variant.
Coding change: c.2505A>G on transcript NM_000052.7 (MANE Select); coding-DNA position 2505, A replaced by G.
Protein change: p.Glu835=; no amino-acid change (glutamic acid 835 retained).
Molecular consequence: synonymous variant.
Genome position (GRCh38, 1-based): chrX:78,015,760, A>G. VCF-style: chrX-78015760-A-G. GRCh37 (hg19) VCF-style: chrX-77271257-A-G.
Other names: p.Glu835=; c.2271A>G, p.Glu757= (NM_001282224.2).
Identifiers: ClinVar variation 1152217 (VCV001152217.10), dbSNP rs1420350554, ClinGen allele CA517061177.